The following is an entry in ClinVar:

NM_139058.3(ARX):c.1321T>C (p.Phe441Leu)

Gene: ARX (aristaless related homeobox; minus strand). Cytogenetic location: Xp21.3.
Variant type: single nucleotide variant.
Coding change: c.1321T>C on transcript NM_139058.3 (MANE Select); coding-DNA position 1321, T replaced by C.
Protein change: p.Phe441Leu; replaces phenylalanine 441 with leucine.
Molecular consequence: missense variant.
Genome position (GRCh38, 1-based): chrX:25,007,238, A>G on the plus strand (T>C on the coding strand, the complement: ARX is on the minus strand). VCF-style: chrX-25007238-A-G. GRCh37 (hg19) VCF-style: chrX-25025355-A-G.
Other names: short protein forms F441L.
Identifiers: ClinVar variation 4687064 (VCV004687064.1).

ClinVar aggregate classification (germline): Uncertain significance (1 of 4 stars; one submission).

Submission:

GeneDx
Classification: Uncertain significance. Last evaluated: 2025-07-24. Review status: criteria provided, single submitter. Criteria: GeneDx Variant Classification Process June 2021. Collection method: clinical testing. Allele origin: germline. Affected: yes.
Comment: Not observed at significant frequency in large population cohorts (gnomAD); In silico analysis supports that this missense variant has a deleterious effect on protein structure/function; Has not been previously published as pathogenic or benign to our knowledge